The following is an entry in ClinVar:

NM_000535.7(PMS2):c.1008T>C (p.Val336=)

Gene: PMS2 (PMS1 homolog 2, mismatch repair system component; minus strand). Cytogenetic location: 7p22.1.
Variant type: single nucleotide variant.
Coding change: c.1008T>C on transcript NM_000535.7 (MANE Select); coding-DNA position 1008, T replaced by C.
Protein change: p.Val336=; no amino-acid change (valine 336 retained).
Molecular consequence: synonymous variant. On other transcripts: non-coding transcript variant (1), intron variant (10).
Genome position (GRCh38, 1-based): chr7:5,989,936, A>G on the plus strand (T>C on the coding strand, the complement: PMS2 is on the minus strand). VCF-style: chr7-5989936-A-G. GRCh37 (hg19) VCF-style: chr7-6029567-A-G.
Other names: c.603T>C, p.Val201= (NM_001322003.2, NM_001322004.2, NM_001322005.2 and 16 more transcripts); c.690T>C, p.Val230= (NM_001322007.2, NM_001322008.2, NM_001406876.1 and 2 more transcripts); c.75T>C, p.Val25= (NM_001322011.2, NM_001322012.2); c.435T>C, p.Val145= (NM_001322013.2, NM_001406909.1); c.1008T>C, p.Val336= (NM_001322014.2, NM_001406871.1, NM_001406872.1); c.699T>C, p.Val233= (NM_001322015.2, NM_001406875.1, NM_001406877.1 and 5 more transcripts); c.1194T>C, p.Val398= (NM_001406866.1); c.1032T>C, p.Val344= (NM_001406868.1); and 13 more.
Identifiers: ClinVar variation 3903525 (VCV003903525.1).
Genomic context (GRCh38, chr7:5,989,936, plus strand): 5'-CTTTAAAACTGCCAACAAAAGCTTTTCCTCTTGTAGCAAAATTTGCCTTTTATCTGGAGT[A>G]ACATTGATATCAACGCATTCTAAGGCAAAAAAGAAAACATATTTATTATGTTTAAATTCA-3'
Protein context (NP_000526.2, residues 326-346): SVDSECVDIN[Val336=]TPDKRQILLQ

ClinVar aggregate classification (germline): Benign (1 of 4 stars; one submission).

Conditions:
Lynch syndrome 4 (LYNCH4). Also called: Colorectal cancer, hereditary nonpolyposis, type 4; Hereditary non-polyposis colorectal cancer, type 4. Identifiers: Orphanet 144, MedGen C1838333, MONDO:0013699, OMIM 614337. Disease mechanism: loss of function.

Submission:

Myriad Genetics, Inc.
Classification: Benign for Lynch syndrome 4. Last evaluated: 2025-01-29. Review status: criteria provided, single submitter. Criteria: Myriad Autosomal Dominant, Autosomal Recessive and X-Linked Classification Criteria (2023). Collection method: clinical testing. Allele origin: unknown.
Comment: This variant is considered benign. This variant is a silent/synonymous amino acid change and it is not expected to impact splicing.